The following is an entry in ClinVar:

NM_001006658.3(CR2):c.11C>T (p.Ala4Val)

Gene: CR2 (complement C3d receptor 2; plus strand). Cytogenetic location: 1q32.2.
Variant type: single nucleotide variant.
Coding change: c.11C>T on transcript NM_001006658.3 (MANE Select); coding-DNA position 11, C replaced by T.
Protein change: p.Ala4Val; replaces alanine 4 with valine.
Molecular consequence: missense variant.
Genome position (GRCh38, 1-based): chr1:207,454,429, C>T. VCF-style: chr1-207454429-C-T. GRCh37 (hg19) VCF-style: chr1-207627774-C-T.
Other names: c.11C>T, p.Ala4Val (NM_001877.5); short protein forms A4V.
Identifiers: ClinVar variation 4848005 (VCV004848005.1).

ClinVar aggregate classification (germline): Uncertain significance (1 of 4 stars; one submission).

Submission:

Women's Health and Genetics/Laboratory Corporation of America, LabCorp
Classification: Uncertain significance. Last evaluated: 2026-02-06. Review status: criteria provided, single submitter. Criteria: LabCorp Variant Classification Summary - May 2015. Collection method: clinical testing. Allele origin: germline.
Comment: Variant summary: CR2 c.11C>T (p.Ala4Val) results in a non-conservative amino acid change in the encoded protein sequence. Algorithms developed to predict the effect of missense changes on protein structure and function are either unavailable or do not agree on the potential impact of this missense change. The variant was absent in 201804 control chromosomes. The available data on variant occurrences in the general population are insufficient to allow any conclusion about variant significance. To our knowledge, no occurrence of c.11C>T in individuals affected with CR2-related conditions and no experimental evidence demonstrating its impact on protein function have been reported. No submitters have cited clinical-significance assessments for this variant to ClinVar. Based on the evidence outlined above, the variant was classified as uncertain significance.